The following is an entry in ClinVar:

ClinVar aggregate classification (germline): Uncertain significance (1 of 4 stars; one submission).

Conditions:
Hereditary cancer-predisposing syndrome. Also called: Neoplastic Syndromes, Hereditary; Tumor predisposition; Hereditary Cancer Syndrome; Hereditary neoplastic syndrome. Identifiers: Orphanet 140162, MedGen C0027672, MeSH D009386, MONDO:0015356.

gnomAD v4.1: 2 of 1,612,864 alleles (0.00012%); highest among the groups gnomAD compares: Non-Finnish European, 0.00017%; no homozygotes.

Submission:

Ambry Genetics
Classification: Uncertain significance for Hereditary cancer-predisposing syndrome. Last evaluated: 2023-05-21. Review status: criteria provided, single submitter. Criteria: Ambry Variant Classification Scheme 2023. Collection method: clinical testing. Allele origin: germline.
Comment: The p.Q265P variant (also known as c.794A>C), located in coding exon 7 of the MRE11A gene, results from an A to C substitution at nucleotide position 794. The glutamine at codon 265 is replaced by proline, an amino acid with similar properties. This amino acid position is highly conserved in available vertebrate species. In addition, this alteration is predicted to be deleterious by in silico analysis. Since supporting evidence is limited at this time, the clinical significance of this alteration remains unclear.

NM_005591.4(MRE11):c.794A>C (p.Gln265Pro)

Gene: MRE11 (MRE11 double strand break repair nuclease; minus strand). Cytogenetic location: 11q21.
Variant type: single nucleotide variant.
Coding change: c.794A>C on transcript NM_005591.4 (MANE Select); coding-DNA position 794, A replaced by C.
Protein change: p.Gln265Pro; replaces glutamine 265 with proline.
Molecular consequence: missense variant.
Genome position (GRCh38, 1-based): chr11:94,471,625, T>G on the plus strand (A>C on the coding strand, the complement: MRE11 is on the minus strand). VCF-style: chr11-94471625-T-G. GRCh37 (hg19) VCF-style: chr11-94204791-T-G.
Other names: c.794A>C, p.Gln265Pro (NM_001330347.2, NM_005590.4); short protein forms Q265P.
Identifiers: ClinVar variation 483621 (VCV000483621.6), dbSNP rs775666563, ClinGen allele CA382375601.